The following is an entry in ClinVar:

NM_000179.3(MSH6):c.2307T>C (p.Phe769=)

Gene: MSH6 (mutS homolog 6; plus strand). Cytogenetic location: 2p16.3.
Variant type: single nucleotide variant.
Coding change: c.2307T>C on transcript NM_000179.3 (MANE Select); coding-DNA position 2307, T replaced by C.
Protein change: p.Phe769=; no amino-acid change (phenylalanine 769 retained).
Molecular consequence: synonymous variant.
Genome position (GRCh38, 1-based): chr2:47,800,290, T>C. VCF-style: chr2-47800290-T-C. GRCh37 (hg19) VCF-style: chr2-48027429-T-C.
Other names: c.1917T>C, p.Phe639= (NM_001281492.2); c.1401T>C, p.Phe467= (NM_001281493.2, NM_001281494.2).
Identifiers: ClinVar variation 491894 (VCV000491894.15), dbSNP rs1276975746, ClinGen allele CA426121446.
Genomic context (GRCh38, chr2:47,800,290, plus strand): 5'-AACAAATGGTTCTACTGAAGGAACCCTACTAGAGAGGGTTGATACTTGCCATACTCCTTT[T>C]GGTAAGCGGCTCCTAAAGCAATGGCTTTGTGCCCCACTCTGTAACCATTATGCTATTAAT-3'
Protein context (NP_000170.1, residues 759-779): LERVDTCHTP[Phe769=]GKRLLKQWLC

ClinVar aggregate classification (germline): Likely benign. Review status: criteria provided, multiple submitters, no conflicts (2 of 4 stars). 3 submissions from 3 submitters: Likely benign (3). Last evaluated 2023-08-15.

Conditions:
Lynch syndrome. Identifiers: Orphanet 144, MedGen C4552100, MONDO:0005835. Disease mechanism: loss of function.
Hereditary nonpolyposis colorectal neoplasms. Identifiers: MedGen C0009405, MeSH D003123.
Hereditary cancer-predisposing syndrome. Also called: Hereditary neoplastic syndrome; Tumor predisposition; Hereditary Cancer Syndrome; Neoplastic Syndromes, Hereditary. Identifiers: Orphanet 140162, MedGen C0027672, MeSH D009386, MONDO:0015356.

Allele frequency attached by ClinVar (database versions not stated): TOPMed below 0.00001; gnomAD 0.00001.
gnomAD v4.1: 6 of 1,614,086 alleles (0.00037%); highest among the groups gnomAD compares: Non-Finnish European, 0.00051%; no homozygotes.

Submissions (3):

All of Us Research Program, National Institutes of Health
Classification: Likely benign for Lynch syndrome. Last evaluated: 2023-08-15. Review status: criteria provided, single submitter. Criteria: ACMG Guidelines, 2015. Collection method: clinical testing. Allele origin: germline. Inheritance: Autosomal dominant inheritance. Observed: 1 variant allele, 1 heterozygote.
Comment: This study involves interpretation of variants in research participants for the purpose of population health screening. Participant phenotype was not available at the time of variant classification. Additional details can be found in publication PMID: 35346344, PMCID: PMC8962531

Labcorp Genetics (formerly Invitae), Labcorp
Classification: Likely benign for Hereditary nonpolyposis colorectal neoplasms. Last evaluated: 2019-10-19. Review status: criteria provided, single submitter. Criteria: Invitae Variant Classification Sherloc (09022015). Collection method: clinical testing. Allele origin: germline.

Color Diagnostics, LLC DBA Color Health
Classification: Likely benign for Hereditary cancer-predisposing syndrome. Last evaluated: 2017-03-06. Review status: criteria provided, single submitter. Criteria: ACMG Guidelines, 2015. Collection method: clinical testing. Allele origin: germline.